The following is an entry in ClinVar:

NM_000371.4(TTR):c.83C>T (p.Ser28Phe)

Gene: TTR (transthyretin; plus strand). Cytogenetic location: 18q12.1.
Variant type: single nucleotide variant.
Coding change: c.83C>T on transcript NM_000371.4 (MANE Select); coding-DNA position 83, C replaced by T.
Protein change: p.Ser28Phe; replaces serine 28 with phenylalanine.
Molecular consequence: missense variant.
Genome position (GRCh38, 1-based): chr18:31,592,909, C>T. VCF-style: chr18-31592909-C-T. GRCh37 (hg19) VCF-style: chr18-29172872-C-T.
Other names: short protein forms S28F.
Identifiers: ClinVar variation 1313300 (VCV001313300.18), dbSNP rs1313375879, ClinGen allele CA402156479.
Genomic context (GRCh38, chr18:31,592,909, plus strand): 5'-ACTCTGATCAATTTTGTTAACTTCTCACGTGTCTTCTCTACACCCAGGGCACCGGTGAAT[C>T]CAAGTGTCCTCTGATGGTCAAAGTTCTAGATGCTGTCCGAGGCAGTCCTGCCATCAATGT-3'
Protein context (NP_000362.1, residues 18-38): SEAGPTGTGE[Ser28Phe]KCPLMVKVLD

ClinVar aggregate classification (germline): Uncertain significance. Review status: criteria provided, multiple submitters, no conflicts (2 of 4 stars). 6 submissions from 6 submitters: Uncertain significance (6). Last evaluated 2026-01-28.

Conditions:
Amyloidosis, hereditary systemic 1 (AMYLD1). Also called: Familial amyloid polyneuropathy; Hereditary oculoleptomeningeal amyloid angiopathy; Familial Transthyretin Amyloidosis; AMYLOID CARDIOMYOPATHY; Isolated Cardiac Amyloidosis; Amyloid Cardiomyopathy, Transthyretin-related. Identifiers: Orphanet 85447, Orphanet 85451, MedGen C2751492, MONDO:0971004, OMIM 105210.
Hyperthyroxinemia, dystransthyretinemic. Also called: HYPERTHYROXINEMIA, DYSPREALBUMINEMIC; EUTHRYROIDAL HYPERTHYROXINEMIA 2. Identifiers: MedGen C2750824, MONDO:0007785, OMIM 145680.
Carpal tunnel syndrome 1 (CTS1). Also called: Carpal tunnel syndrome, familial. Identifiers: MedGen C5779776, MONDO:0020730, OMIM 115430.
Cardiovascular phenotype. Identifiers: MedGen CN230736.

gnomAD v4.1: 1 of 1,614,016 alleles (0.000062%); no homozygotes.

Submissions (6):

Women's Health and Genetics/Laboratory Corporation of America, LabCorp
Classification: Uncertain significance. Last evaluated: 2026-01-28. Review status: criteria provided, single submitter. Criteria: LabCorp Variant Classification Summary - May 2015. Collection method: clinical testing. Allele origin: germline.
Comment: Variant summary: TTR c.83C>T (p.Ser28Phe) results in a non-conservative amino acid change in the encoded protein sequence. Algorithms developed to predict the effect of missense changes on protein structure and function all suggest that this variant is likely to be disruptive. The frequency data for this variant in gnomAD is considered unreliable, as metrics indicate poor data quality at this position. To our knowledge, no occurrence of c.83C>T in individuals affected with TTR-related conditions and no experimental evidence demonstrating its impact on protein function have been reported. ClinVar contains an entry for this variant (Variation ID: 1313300). Based on the evidence outlined above, the variant was classified as uncertain significance.

GeneDx
Classification: Uncertain significance. Last evaluated: 2025-09-03. Review status: criteria provided, single submitter. Criteria: GeneDx Variant Classification Process June 2021. Collection method: clinical testing. Allele origin: germline. Affected: yes.
Comment: Not observed at significant frequency in large population cohorts (gnomAD); In silico analysis supports that this missense variant has a deleterious effect on protein structure/function; Has not been previously published as pathogenic or benign to our knowledge

Molecular Diagnostic Laboratory for Inherited Cardiovascular Disease, Montreal Heart Institute
Classification: Uncertain significance for Cardiovascular phenotype. Last evaluated: 2025-04-09. Review status: criteria provided, single submitter. Criteria: ACMG Guidelines, 2015. Collection method: clinical testing. Allele origin: germline. Affected: yes.

Labcorp Genetics (formerly Invitae), Labcorp
Classification: Uncertain significance for Amyloidosis, hereditary systemic 1. Last evaluated: 2025-03-03. Review status: criteria provided, single submitter. Criteria: Invitae Variant Classification Sherloc (09022015). Collection method: clinical testing. Allele origin: germline.
Comment: This sequence change replaces serine, which is neutral and polar, with phenylalanine, which is neutral and non-polar, at codon 28 of the TTR protein (p.Ser28Phe). This variant is not present in population databases (gnomAD no frequency). This variant has not been reported in the literature in individuals affected with TTR-related conditions. ClinVar contains an entry for this variant (Variation ID: 1313300). Invitae Evidence Modeling of protein sequence and biophysical properties (such as structural, functional, and spatial information, amino acid conservation, physicochemical variation, residue mobility, and thermodynamic stability) has been performed for this missense variant. However, the output from this modeling did not meet the statistical confidence thresholds required to predict the impact of this variant on TTR protein function. In summary, the available evidence is currently insufficient to determine the role of this variant in disease. Therefore, it has been classified as a Variant of Uncertain Significance.

Blueprint Genetics
Classification: Uncertain significance. Last evaluated: 2024-11-27. Review status: criteria provided, single submitter. Criteria: ACMG Guidelines, 2015. Collection method: clinical testing. Allele origin: germline.

Fulgent Genetics
Classification: Uncertain significance for Amyloidosis, hereditary systemic 1; Carpal tunnel syndrome 1; Hyperthyroxinemia, dystransthyretinemic. Last evaluated: 2024-04-30. Review status: criteria provided, single submitter. Criteria: ACMG Guidelines, 2015. Collection method: clinical testing. Allele origin: germline.